The following is an entry in ClinVar:

ClinVar aggregate classification (germline): Uncertain significance (1 of 4 stars; one submission).

Allele frequency attached by ClinVar (database versions not stated): TOPMed 0.00002.

Submission:

Labcorp Genetics (formerly Invitae), Labcorp
Classification: Uncertain significance. Last evaluated: 2025-12-21. Review status: criteria provided, single submitter. Criteria: Invitae Variant Classification Sherloc (09022015). Collection method: clinical testing. Allele origin: germline.
Comment: This sequence change replaces phenylalanine, which is neutral and non-polar, with isoleucine, which is neutral and non-polar, at codon 196 of the UNC119 protein (p.Phe196Ile). This variant is present in population databases (rs145972313, gnomAD 0.01%). This variant has not been reported in the literature in individuals affected with UNC119-related conditions. ClinVar contains an entry for this variant (Variation ID: 1040179). An algorithm developed to predict the effect of missense changes on protein structure and function (PolyPhen-2) suggests that this variant is likely to be disruptive. In summary, the available evidence is currently insufficient to determine the role of this variant in disease. Therefore, it has been classified as a Variant of Uncertain Significance.

NM_005148.4(UNC119):c.586T>A (p.Phe196Ile)

Gene: UNC119 (unc-119 lipid binding chaperone; minus strand). Cytogenetic location: 17q11.2.
Variant type: single nucleotide variant.
Coding change: c.586T>A on transcript NM_005148.4 (MANE Select); coding-DNA position 586, T replaced by A.
Protein change: p.Phe196Ile; replaces phenylalanine 196 with isoleucine.
Molecular consequence: missense variant.
Genome position (GRCh38, 1-based): chr17:28,547,701, A>T on the plus strand (T>A on the coding strand, the complement: UNC119 is on the minus strand). VCF-style: chr17-28547701-A-T. GRCh37 (hg19) VCF-style: chr17-26874719-A-T.
Other names: c.301T>A, p.Phe101Ile (NM_001330166.2); c.586T>A, p.Phe196Ile (NM_054035.2); short protein forms F196I, F101I.
Identifiers: ClinVar variation 1040179 (VCV001040179.5), dbSNP rs145972313, ClinGen allele CA8459748.
Genomic context (GRCh38, chr17:28,547,701, plus strand): 5'-CCACTTCCCCACTCCCAGAAGACCCTGCCCGCGCACTCAGCTCCTCGGAGAGAGGGGGGA[A>T]GTCGTAAATGTGCTCGCAGGTGTTCTTGCTGCTGGGGATGCAGAAGCCAAAGTGGAAGTC-3'
Protein context (NP_005139.1, residues 186-206): SKNTCEHIYD[Phe196Ile]PPLSEELISE